The following is an entry in ClinVar:

NM_020297.4(ABCC9):c.1885G>A (p.Glu629Lys)

Gene: ABCC9 (ATP binding cassette subfamily C member 9; minus strand). Cytogenetic location: 12p12.1.
Variant type: single nucleotide variant.
Coding change: c.1885G>A on transcript NM_020297.4 (MANE Select); coding-DNA position 1885, G replaced by A.
Protein change: p.Glu629Lys; replaces glutamic acid 629 with lysine.
Molecular consequence: missense variant.
Genome position (GRCh38, 1-based): chr12:21,887,852, C>T on the plus strand (G>A on the coding strand, the complement: ABCC9 is on the minus strand). VCF-style: chr12-21887852-C-T. GRCh37 (hg19) VCF-style: chr12-22040786-C-T.
Other names: c.1885G>A, p.Glu629Lys (NM_001377273.1, NM_005691.4); c.1021G>A, p.Glu341Lys (NM_001377274.1); short protein forms E341K, E629K.
Identifiers: ClinVar variation 4810474 (VCV004810474.1).

ClinVar aggregate classification (germline): Uncertain significance (1 of 4 stars; one submission).

Conditions:
Dilated cardiomyopathy 1O (CMD1O). Also called: CARDIOMYOPATHY, DILATED, WITH VENTRICULAR TACHYCARDIA. Identifiers: Orphanet 154, MedGen C1837839, MONDO:0012062, OMIM 608569.

Submission:

Labcorp Genetics (formerly Invitae), Labcorp
Classification: Uncertain significance for Dilated cardiomyopathy 1O. Last evaluated: 2025-11-13. Review status: criteria provided, single submitter. Criteria: Invitae Variant Classification Sherloc (09022015). Collection method: clinical testing. Allele origin: germline.
Comment: This sequence change replaces glutamic acid, which is acidic and polar, with lysine, which is basic and polar, at codon 629 of the ABCC9 protein (p.Glu629Lys). This variant is not present in population databases (gnomAD no frequency). This variant has not been reported in the literature in individuals affected with ABCC9-related conditions. Invitae Evidence Modeling of protein sequence and biophysical properties (such as structural, functional, and spatial information, amino acid conservation, physicochemical variation, residue mobility, and thermodynamic stability) indicates that this missense variant is not expected to disrupt ABCC9 protein function with a negative predictive value of 95%. In summary, the available evidence is currently insufficient to determine the role of this variant in disease. Therefore, it has been classified as a Variant of Uncertain Significance.